The following is an entry in ClinVar:

ClinVar aggregate classification (germline): Benign (1 of 4 stars; one submission).

Conditions:
Cone-rod dystrophy 5 (CORD5). Identifiers: Orphanet 1872, MedGen C1832976, MONDO:0010969, OMIM 600977.

Allele frequency attached by ClinVar (database versions not stated): TOPMed 0.00029; 1000 Genomes Project 30x 0.00156; 1000 Genomes Project 0.00160.

Submission:

Illumina Laboratory Services, Illumina
Classification: Benign for Cone-rod dystrophy 5. Last evaluated: 2018-01-13. Review status: criteria provided, single submitter. Criteria: ICSL Variant Classification Criteria 13 December 2019. Collection method: clinical testing. Allele origin: germline.
Comment: This variant was observed in the ICSL laboratory as part of a predisposition screen in an ostensibly healthy population. It had not been previously curated by ICSL or reported in the Human Gene Mutation Database (HGMD: prior to June 1st, 2018), and was therefore a candidate for classification through an automated scoring system. Utilizing variant allele frequency, disease prevalence and penetrance estimates, and inheritance mode, an automated score was calculated to assess if this variant is too frequent to cause the disease. Based on the score and internal cut-off values, a variant classified as benign is not then subjected to further curation. The score for this variant resulted in a classification of benign for this disease.

NM_031220.4(PITPNM3):c.*3708G>A

Gene: PITPNM3 (PITPNM family member 3; minus strand). Cytogenetic location: 17p13.2.
Variant type: single nucleotide variant.
Coding change: c.*3708G>A on transcript NM_031220.4 (MANE Select); 3708 bases downstream of the stop codon, G replaced by A.
Molecular consequence: 3 prime UTR variant.
Genome position (GRCh38, 1-based): chr17:6,451,630, C>T on the plus strand (G>A on the coding strand, the complement: PITPNM3 is on the minus strand). VCF-style: chr17-6451630-C-T. GRCh37 (hg19) VCF-style: chr17-6354950-C-T.
Other names: c.*3708G>A (NM_001165966.2).
Identifiers: ClinVar variation 324654 (VCV000324654.5), dbSNP rs574669515, ClinGen allele CA10650687.